The following is an entry in ClinVar:

ClinVar aggregate classification (germline): Likely pathogenic (1 of 4 stars; one submission).

Conditions:
Cardiovascular phenotype. Identifiers: MedGen CN230736.

Submission:

Ambry Genetics
Classification: Likely pathogenic for Cardiovascular phenotype. Last evaluated: 2019-04-17. Review status: criteria provided, single submitter. Criteria: Ambry Variant Classification Scheme 2023. Collection method: clinical testing. Allele origin: germline.
Comment: The c.51230delA variant, located in coding exon 153 of the TTN gene, results from a deletion of one nucleotide at nucleotide position 51230, causing a translational frameshift with a predicted alternate stop codon (p.N17077Mfs*31). This exon is located in the A-band region of the N2-B isoform of the titin protein and is constitutively expressed in TTN transcripts (percent spliced in or PSI 100%). This alteration is expected to result in loss of function by premature protein truncation or nonsense-mediated mRNA decay. While truncating variants in TTN are present in 1-3% of the general population, truncating variants in the A-band are the most common cause of dilated cardiomyopathy (DCM) (Herman DS et al. N. Engl. J. Med., 2012 Feb;366:619-28; Roberts AM et al. Sci Transl Med, 2015 Jan;7:270ra6). TTN truncating variants encoded in constitutive exons (PSI >90%) have been found to be significantly associated with DCM regardless of their position in titin (Schafer S et al. Nat. Genet., 2017 01;49:46-53). As such, this alteration is classified as likely pathogenic.

NM_001267550.2(TTN):c.78425del (p.Asn26142fs)

Genes: TTN (titin; minus strand), TTN-AS1 (TTN antisense RNA 1; plus strand). Cytogenetic location: 2q31.2.
Variant type: Deletion.
Coding change: c.78425del on transcript NM_001267550.2 (MANE Select); coding-DNA position 78425, one base deleted (A; older notation c.78425delA).
Protein change: p.Asn26142fs; shifts the reading frame from asparagine 26142.
Molecular consequence: frameshift variant.
Genome position (GRCh38, 1-based): chr2:178,567,707, T deleted on the plus strand (A on the coding strand, the reverse complement: TTN is on the minus strand); the first of 3 consecutive T bases (chr2:178,567,707-178,567,709); deleting any one gives the same sequence. VCF-style (leftmost placement, unchanged base first): chr2-178567706-AT-A. GRCh37 (hg19) VCF-style: chr2-179432433-AT-A.
Other names: c.73502del, p.Asn24501fs (NM_001256850.1); c.51230del, p.Asn17077fs (NM_003319.4); c.70721del, p.Asn23574fs (NM_133378.4); c.51605del, p.Asn17202fs (NM_133432.3); c.51806del, p.Asn17269fs (NM_133437.4); c.51230delA (NM_003319.4); short protein forms N23574fs, N26142fs, N24501fs, N17077fs, N17202fs, N17269fs.
Identifiers: ClinVar variation 1745491 (VCV001745491.2), dbSNP rs2468333440, ClinGen allele CA2580064765.
Genomic context (GRCh38, chr2:178,567,706, plus strand): 5'-TCTGAATTCATATCTTTGATCTTCAGTAAGACCTGACACAGTAAATTGAGTTTCAATGAC[AT>A]TTGTAAAGCTAGCTTTCATCCAACGACCATCAGGCAAATCACGTTTCTCTACAATGTAGC-3'